The following is an entry in ClinVar:

ClinVar aggregate classification (germline): Uncertain significance (1 of 4 stars; one submission).

Conditions:
Hereditary spastic paraplegia 39 (SPG39). Also called: SPASTIC PARAPLEGIA 39, AUTOSOMAL RECESSIVE; Spastic Paraplegia Type 39 (SPG39). Identifiers: Orphanet 139480, MedGen C2677586, MONDO:0012787, OMIM 612020.

Allele frequency attached by ClinVar (database versions not stated): TOPMed below 0.00001.

Submission:

Labcorp Genetics (formerly Invitae), Labcorp
Classification: Uncertain significance for Hereditary spastic paraplegia 39. Last evaluated: 2022-07-20. Review status: criteria provided, single submitter. Criteria: Invitae Variant Classification Sherloc (09022015). Collection method: clinical testing. Allele origin: germline.
Comment: In summary, the available evidence is currently insufficient to determine the role of this variant in disease. Therefore, it has been classified as a Variant of Uncertain Significance. This sequence change replaces aspartic acid, which is acidic and polar, with asparagine, which is neutral and polar, at codon 616 of the PNPLA6 protein (p.Asp616Asn). This variant is not present in population databases (gnomAD no frequency). This variant has not been reported in the literature in individuals affected with PNPLA6-related conditions. ClinVar contains an entry for this variant (Variation ID: 1432349). Algorithms developed to predict the effect of missense changes on protein structure and function are either unavailable or do not agree on the potential impact of this missense change (SIFT: "Tolerated"; PolyPhen-2: "Possibly Damaging"; Align-GVGD: "Class C0").

NM_001166114.2(PNPLA6):c.1963G>A (p.Asp655Asn)

Gene: PNPLA6 (patatin like domain 6, lysophospholipase; plus strand). Cytogenetic location: 19p13.2.
Variant type: single nucleotide variant.
Coding change: c.1963G>A on transcript NM_001166114.2 (MANE Select); coding-DNA position 1963, G replaced by A.
Protein change: p.Asp655Asn; replaces aspartic acid 655 with asparagine.
Molecular consequence: missense variant.
Genome position (GRCh38, 1-based): chr19:7,550,533, G>A. VCF-style: chr19-7550533-G-A. GRCh37 (hg19) VCF-style: chr19-7615419-G-A.
Other names: c.1990G>A, p.Asp664Asn (NM_001166111.2); c.1768G>A, p.Asp590Asn (NM_001166112.2); c.1846G>A, p.Asp616Asn (NM_001166113.1, NM_006702.5); short protein forms D616N, D664N, D590N, D655N.
Identifiers: ClinVar variation 1432349 (VCV001432349.8), dbSNP rs2023598411, ClinGen allele CA403123221.